The following is an entry in ClinVar:

NM_003151.4(STAT4):c.96T>G (p.His32Gln)

Gene: STAT4 (signal transducer and activator of transcription 4; minus strand). Cytogenetic location: 2q32.3.
Variant type: single nucleotide variant.
Coding change: c.96T>G on transcript NM_003151.4 (MANE Select); coding-DNA position 96, T replaced by G.
Protein change: p.His32Gln; replaces histidine 32 with glutamine.
Molecular consequence: missense variant.
Genome position (GRCh38, 1-based): chr2:191,148,108, A>C on the plus strand (T>G on the coding strand, the complement: STAT4 is on the minus strand). VCF-style: chr2-191148108-A-C. GRCh37 (hg19) VCF-style: chr2-192012834-A-C.
Other names: c.96T>G, p.His32Gln (NM_001243835.2); short protein forms H32Q.
Identifiers: ClinVar variation 2110013 (VCV002110013.4), dbSNP rs766134008, ClinGen allele CA2031000.

ClinVar aggregate classification (germline): Uncertain significance (1 of 4 stars; one submission).

Allele frequency attached by ClinVar (database versions not stated): gnomAD exomes below 0.00001; ExAC 0.00001.
gnomAD v4.1: 2 of 1,613,952 alleles (0.00012%); highest among the groups gnomAD compares: Admixed American, 0.0017%; no homozygotes.

Submission:

Labcorp Genetics (formerly Invitae), Labcorp
Classification: Uncertain significance. Last evaluated: 2022-04-08. Review status: criteria provided, single submitter. Criteria: Invitae Variant Classification Sherloc (09022015). Collection method: clinical testing. Allele origin: germline.
Comment: In summary, the available evidence is currently insufficient to determine the role of this variant in disease. Therefore, it has been classified as a Variant of Uncertain Significance. Algorithms developed to predict the effect of missense changes on protein structure and function (SIFT, PolyPhen-2, Align-GVGD) all suggest that this variant is likely to be tolerated. This variant has not been reported in the literature in individuals affected with STAT4-related conditions. This variant is not present in population databases (gnomAD no frequency). This sequence change replaces histidine, which is basic and polar, with glutamine, which is neutral and polar, at codon 32 of the STAT4 protein (p.His32Gln).